The following is an entry in ClinVar:

ClinVar aggregate classification (germline): Uncertain significance (0 of 4 stars; one submission).

Conditions:
RECQL5-related disorder. Also called: RECQL5-related condition.

Allele frequency attached by ClinVar (database versions not stated): ExAC 0.00001; gnomAD exomes 0.00001; gnomAD 0.00008; 1000 Genomes Project 30x 0.00016; 1000 Genomes Project 0.00020; TOPMed 0.00022.
gnomAD v4.1: 18 of 1,614,162 alleles (0.0011%); highest among the groups gnomAD compares: Admixed American, 0.025%; no homozygotes.

Submission:

PreventionGenetics, part of Exact Sciences
Classification: Uncertain significance for RECQL5-related condition. Last evaluated: 2024-02-13. Review status: no assertion criteria provided. Collection method: clinical testing. Allele origin: germline.
Comment: The RECQL5 c.649A>G variant is predicted to result in the amino acid substitution p.Lys217Glu. To our knowledge, this variant has not been reported in the literature. This variant is reported in 0.0029% of alleles in individuals of Latino descent in gnomAD. At this time, the clinical significance of this variant is uncertain due to the absence of conclusive functional and genetic evidence.

NM_004259.7(RECQL5):c.649A>G (p.Lys217Glu)

Gene: RECQL5 (RecQ like helicase 5; minus strand). Cytogenetic location: 17q25.1.
Variant type: single nucleotide variant.
Coding change: c.649A>G on transcript NM_004259.7 (MANE Select); coding-DNA position 649, A replaced by G.
Protein change: p.Lys217Glu; replaces lysine 217 with glutamic acid.
Molecular consequence: missense variant.
Genome position (GRCh38, 1-based): chr17:75,662,601, T>C on the plus strand (A>G on the coding strand, the complement: RECQL5 is on the minus strand). VCF-style: chr17-75662601-T-C. GRCh37 (hg19) VCF-style: chr17-73658681-T-C.
Other names: c.649A>G, p.Lys217Glu (NM_001003715.4, NM_001003716.4); short protein forms K217E.
Identifiers: ClinVar variation 3046556 (VCV003046556.2), dbSNP rs200647484, ClinGen allele CA8767905.